The following is an entry in ClinVar:

ClinVar aggregate classification (germline): Uncertain significance (1 of 4 stars; one submission).

Conditions:
Acyl-CoA oxidase deficiency. Also called: Pseudoneonatal adrenoleukodystrophy; STRAIGHT-CHAIN ACYL-CoA OXIDASE DEFICIENCY; Peroxisomal acyl-CoA oxidase deficiency. Identifiers: Orphanet 2971, MedGen C1849678, MONDO:0009919, OMIM 264470. Disease mechanism: loss of function.

Submission:

Labcorp Genetics (formerly Invitae), Labcorp
Classification: Uncertain significance for Acyl-CoA oxidase deficiency. Last evaluated: 2022-03-04. Review status: criteria provided, single submitter. Criteria: Invitae Variant Classification Sherloc (09022015). Collection method: clinical testing. Allele origin: germline.
Comment: This sequence change replaces threonine, which is neutral and polar, with isoleucine, which is neutral and non-polar, at codon 374 of the ACOX1 protein (p.Thr374Ile). This variant is not present in population databases (gnomAD no frequency). In summary, the available evidence is currently insufficient to determine the role of this variant in disease. Therefore, it has been classified as a Variant of Uncertain Significance. Algorithms developed to predict the effect of missense changes on protein structure and function are either unavailable or do not agree on the potential impact of this missense change (SIFT: "Deleterious"; PolyPhen-2: "Benign"; Align-GVGD: "Class C0"). This variant has not been reported in the literature in individuals affected with ACOX1-related conditions.

NM_004035.7(ACOX1):c.1121C>T (p.Thr374Ile)

Gene: ACOX1 (acyl-CoA oxidase 1; minus strand). Cytogenetic location: 17q25.1.
Variant type: single nucleotide variant.
Coding change: c.1121C>T on transcript NM_004035.7 (MANE Select); coding-DNA position 1121, C replaced by T.
Protein change: p.Thr374Ile; replaces threonine 374 with isoleucine.
Molecular consequence: missense variant.
Genome position (GRCh38, 1-based): chr17:75,950,951, G>A on the plus strand (C>T on the coding strand, the complement: ACOX1 is on the minus strand). VCF-style: chr17-75950951-G-A. GRCh37 (hg19) VCF-style: chr17-73947032-G-A.
Other names: c.1007C>T, p.Thr336Ile (NM_001185039.2); c.1121C>T, p.Thr374Ile (NM_007292.6); short protein forms T336I, T374I.
Identifiers: ClinVar variation 2106371 (VCV002106371.4), dbSNP rs143994351, ClinGen allele CA401063198.
Genomic context (GRCh38, chr17:75,950,951, plus strand): 5'-ATCCGACATGCTTCAATGCCAGTGTTTGCAGTCCAGGAGGTGAAAGCCTTCAGTCCAGCG[G>A]TGAGGGCATGAAGCTGAGAGGACAAGCACAGATCTGTCAGGACATCTGTGGTGCTGAGAG-3'
Protein context (NP_004026.2, residues 364-384): LSELPELHAL[Thr374Ile]AGLKAFTSWT